The following is an entry in ClinVar:

ClinVar aggregate classification (germline): Likely benign (1 of 4 stars; one submission).

Submission:

CeGaT Center for Human Genetics Tuebingen
Classification: Likely benign. Last evaluated: 2025-03-01. Review status: criteria provided, single submitter. Criteria: CeGaT Center For Human Genetics Tuebingen Variant Classification Criteria Version 2. Collection method: clinical testing. Allele origin: germline. Affected: yes. Observed: 1 variant allele.
Comment: LZTS2: PM2:Supporting, BP4, BP7

NM_001318100.2(LZTS2):c.801G>A (p.Gly267=)

Gene: LZTS2 (leucine zipper tumor suppressor 2; plus strand). Cytogenetic location: 10q24.31.
Variant type: single nucleotide variant.
Coding change: c.801G>A on transcript NM_001318100.2 (MANE Select); coding-DNA position 801, G replaced by A.
Protein change: p.Gly267=; no amino-acid change (glycine 267 retained).
Molecular consequence: synonymous variant. On other transcripts: intron variant (7).
Genome position (GRCh38, 1-based): chr10:101,003,899, G>A. VCF-style: chr10-101003899-G-A. GRCh37 (hg19) VCF-style: chr10-102763656-G-A.
Other names: c.408+953G>A (NM_001394946.1, NM_001318101.2, NM_001394947.1 and 4 more transcripts); c.801G>A, p.Gly267= (NM_001318099.2, NM_001394950.1, NM_001394951.1 and 2 more transcripts).
Identifiers: ClinVar variation 3778591 (VCV003778591.7).